The following is an entry in ClinVar:

NM_002546.4(TNFRSF11B):c.*545T>C

Gene: TNFRSF11B (TNF receptor superfamily member 11b; minus strand). Cytogenetic location: 8q24.12.
Variant type: single nucleotide variant.
Coding change: c.*545T>C on transcript NM_002546.4 (MANE Select); 545 bases downstream of the stop codon, T replaced by C.
Molecular consequence: 3 prime UTR variant.
Genome position (GRCh38, 1-based): chr8:118,923,829, A>G on the plus strand (T>C on the coding strand, the complement: TNFRSF11B is on the minus strand). VCF-style: chr8-118923829-A-G. GRCh37 (hg19) VCF-style: chr8-119936068-A-G.
Identifiers: ClinVar variation 361684 (VCV000361684.5), dbSNP rs11573947, ClinGen allele CA10630136.

ClinVar aggregate classification (germline): Likely benign (1 of 4 stars; one submission).

Conditions:
Hyperphosphatasemia with bone disease (PDB5). Also called: HYPEROSTOSIS CORTICALIS DEFORMANS JUVENILIS; HYPERPHOSPHATASEMIA, CHRONIC CONGENITAL IDIOPATHIC; HYPERPHOSPHATASIA, FAMILIAL IDIOPATHIC; PAGET DISEASE OF BONE 5, JUVENILE-ONSET; Paget disease of bone 5; Osteoectasia familial. Identifiers: Orphanet 2801, MedGen C0268414, MONDO:0009394, OMIM 239000.

Allele frequency attached by ClinVar (database versions not stated): 1000 Genomes Project 0.00399; 1000 Genomes Project 30x 0.00531; gnomAD exomes 0.00605; gnomAD 0.00719 and 0.00754; TOPMed 0.00894.
gnomAD v4.1: 1,118 of 152,720 alleles (0.73%); highest among the groups gnomAD compares: Admixed American, 1.8%; 5 homozygotes.

Submission:

Illumina Laboratory Services, Illumina
Classification: Likely benign for Hyperphosphatasemia with bone disease. Last evaluated: 2018-01-13. Review status: criteria provided, single submitter. Criteria: ICSL Variant Classification Criteria 13 December 2019. Collection method: clinical testing. Allele origin: germline.
Comment: This variant was observed in the ICSL laboratory as part of a predisposition screen in an ostensibly healthy population. It had not been previously curated by ICSL or reported in the Human Gene Mutation Database (HGMD: prior to June 1st, 2018), and was therefore a candidate for classification through an automated scoring system. Utilizing variant allele frequency, disease prevalence and penetrance estimates, and inheritance mode, an automated score was calculated to assess if this variant is too frequent to cause the disease. Based on the score and internal cut-off values, a variant classified as likely benign is not then subjected to further curation. The score for this variant resulted in a classification of likely benign for this disease.